The following is an entry in ClinVar:

NM_012213.3(MLYCD):c.135C>T (p.Arg45=)

Genes: MLYCD (malonyl-CoA decarboxylase; plus strand), LOC130059554 (ATAC-STARR-seq lymphoblastoid silent region 7769; plus strand). Cytogenetic location: 16q23.3.
Variant type: single nucleotide variant.
Coding change: c.135C>T on transcript NM_012213.3 (MANE Select); coding-DNA position 135, C replaced by T.
Protein change: p.Arg45=; no amino-acid change (arginine 45 retained).
Molecular consequence: synonymous variant.
Genome position (GRCh38, 1-based): chr16:83,899,279, C>T. VCF-style: chr16-83899279-C-T. GRCh37 (hg19) VCF-style: chr16-83932884-C-T.
Identifiers: ClinVar variation 320721 (VCV000320721.36), dbSNP rs767969074, ClinGen allele CA8197170.

ClinVar aggregate classification (germline): Conflicting classifications of pathogenicity. Review status: criteria provided, conflicting classifications (1 of 4 stars). 5 submissions from 5 submitters: Uncertain significance (1); Likely benign (4). Last evaluated 2026-01-27.

Conditions:
Deficiency of malonyl-CoA decarboxylase. Also called: Malonic aciduria; MCD deficiency. Identifiers: Orphanet 943, MedGen C0342793, MONDO:0009556, OMIM 248360.

Allele frequency attached by ClinVar (database versions not stated): TOPMed 0.00015; gnomAD exomes 0.00017 and 0.00020; gnomAD 0.00018 and 0.00019; ExAC 0.00077.
gnomAD v4.1: 256 of 1,469,856 alleles (0.017%); highest among the groups gnomAD compares: Middle Eastern, 0.25%; no homozygotes.

Submissions (5):

Labcorp Genetics (formerly Invitae), Labcorp
Classification: Likely benign for Deficiency of malonyl-CoA decarboxylase. Last evaluated: 2026-01-27. Review status: criteria provided, single submitter. Criteria: Invitae Variant Classification Sherloc (09022015). Collection method: clinical testing. Allele origin: germline.

Blueprint Genetics
Classification: Likely benign. Last evaluated: 2024-11-04. Review status: criteria provided, single submitter. Criteria: ACMG Guidelines, 2015. Collection method: clinical testing. Allele origin: germline.

CeGaT Center for Human Genetics Tuebingen
Classification: Likely benign. Last evaluated: 2024-05-01. Review status: criteria provided, single submitter. Criteria: CeGaT Center For Human Genetics Tuebingen Variant Classification Criteria Version 2. Collection method: clinical testing. Allele origin: germline. Affected: yes. Observed: 2 variant alleles.
Comment: MLYCD: BP4, BP7

Illumina Laboratory Services, Illumina
Classification: Uncertain significance for Deficiency of malonyl-CoA decarboxylase. Last evaluated: 2018-01-12. Review status: criteria provided, single submitter. Criteria: ICSL Variant Classification Criteria 13 December 2019. Collection method: clinical testing. Allele origin: germline.

GeneDx
Classification: Likely benign. Last evaluated: 2017-01-26. Review status: criteria provided, single submitter. Criteria: GeneDx Variant Classification (06012015). Collection method: clinical testing. Allele origin: germline. Affected: yes.
Comment: This variant is considered likely benign or benign based on one or more of the following criteria: it is a conservative change, it occurs at a poorly conserved position in the protein, it is predicted to be benign by multiple in silico algorithms, and/or has population frequency not consistent with disease.